The following is an entry in ClinVar:

ClinVar aggregate classification (germline): Uncertain significance (1 of 4 stars; one submission).

Conditions:
Neurofibromatosis, type 1 (NF1). Also called: VON RECKLINGHAUSEN DISEASE; NEUROFIBROMATOSIS, TYPE I, SOMATIC; Neurofibromatosis, type I; Peripheral type neurofibromatosis. Identifiers: Orphanet 636, MedGen C0027831, MONDO:0018975, OMIM 162200. Disease mechanism: loss of function.

Submission:

Labcorp Genetics (formerly Invitae), Labcorp
Classification: Uncertain significance for Neurofibromatosis, type 1. Last evaluated: 2025-01-26. Review status: criteria provided, single submitter. Criteria: Invitae Variant Classification Sherloc (09022015). Collection method: clinical testing. Allele origin: germline.
Comment: This variant, c.117_119del, results in the deletion of 1 amino acid(s) of the NF1 protein (p.Asn39del), but otherwise preserves the integrity of the reading frame. This variant is not present in population databases (gnomAD no frequency). This variant has not been reported in the literature in individuals affected with NF1-related conditions. Experimental studies and prediction algorithms are not available or were not evaluated, and the functional significance of this variant is currently unknown. In summary, the available evidence is currently insufficient to determine the role of this variant in disease. Therefore, it has been classified as a Variant of Uncertain Significance.

NM_001042492.3(NF1):c.114CAA[1] (p.Asn39del)

Gene: NF1 (neurofibromin 1; plus strand). Cytogenetic location: 17q11.2.
Variant type: Microsatellite.
Coding change: c.114CAA[1] on transcript NM_001042492.3 (MANE Select); one copy of the 3-base unit CAA starting at c.114; the reference has two copies in a row; one copy, 3 bases deleted.
Protein change: p.Asn39del; deletes asparagine 39.
Molecular consequence: inframe deletion. On other transcripts: inframe indel (1).
Genome position (GRCh38, 1-based): chr17:31,156,039-31,156,041, CAA deleted; deleting any 3 consecutive bases within chr17:31,156,035-31,156,041 gives the same sequence; the position shown is the placement nearest the transcript's 3' end. VCF-style (leftmost placement, unchanged base first): chr17-31156034-CACA-C. GRCh37 (hg19) VCF-style: chr17-29483052-CACA-C.
Other names: c.114_116CAA[1], p.Asn39del (NM_000267.4); c.114CAA[1], p.Asn39del (NM_001128147.3); short protein forms N39del.
Identifiers: ClinVar variation 3679121 (VCV003679121.2).